The following is an entry in ClinVar:

NM_022437.3(ABCG8):c.1169C>T (p.Thr390Met)

Gene: ABCG8 (ATP binding cassette subfamily G member 8; plus strand). Cytogenetic location: 2p21.
Variant type: single nucleotide variant.
Coding change: c.1169C>T on transcript NM_022437.3 (MANE Select); coding-DNA position 1169, C replaced by T.
Protein change: p.Thr390Met; replaces threonine 390 with methionine.
Molecular consequence: missense variant.
Genome position (GRCh38, 1-based): chr2:43,872,264, C>T. VCF-style: chr2-43872264-C-T. GRCh37 (hg19) VCF-style: chr2-44099403-C-T.
Other names: c.1166C>T, p.Thr389Met (NM_001357321.2); short protein forms T390M, T389M.
Identifiers: ClinVar variation 1738973 (VCV001738973.3), dbSNP rs761465379, ClinGen allele CA1637327.
Genomic context (GRCh38, chr2:43,872,264, plus strand): 5'-CACATCTTCTGCCTCCCAGCAGCGTGACCCCACTAGACACCAACTGCCTCCCGAGTCCTA[C>T]GAAGATGCCTGGGGCGGTGCAGCAGTTTACGACGCTGATCCGGTAATTATCTGTCATTTT-3'
Protein context (NP_071882.1, residues 380-400): PLDTNCLPSP[Thr390Met]KMPGAVQQFT

ClinVar aggregate classification (germline): Uncertain significance (1 of 4 stars; one submission).

Conditions:
Cardiovascular phenotype. Identifiers: MedGen CN230736.

Allele frequency attached by ClinVar (database versions not stated): gnomAD exomes 0.00001; gnomAD 0.00002; TOPMed 0.00005.
gnomAD v4.1: 21 of 1,613,844 alleles (0.0013%); highest among the groups gnomAD compares: African/African-American, 0.011%; no homozygotes.

Submission:

Ambry Genetics
Classification: Uncertain significance for Cardiovascular phenotype. Last evaluated: 2024-07-29. Review status: criteria provided, single submitter. Criteria: Ambry Variant Classification Scheme 2023. Collection method: clinical testing. Allele origin: germline.
Comment: The p.T390M variant (also known as c.1169C>T), located in coding exon 8 of the ABCG8 gene, results from a C to T substitution at nucleotide position 1169. The threonine at codon 390 is replaced by methionine, an amino acid with similar properties. This amino acid position is conserved. In addition, this alteration is predicted to be tolerated by in silico analysis. Since supporting evidence is limited at this time, the clinical significance of this alteration remains unclear.